The following is an entry in ClinVar:

ClinVar aggregate classification (germline): Uncertain significance (1 of 4 stars; one submission).

Conditions:
Long QT syndrome (LQTS). Identifiers: MedGen C0023976, MeSH D008133, MONDO:0002442. Disease mechanism: loss of function. Inheritance: Various modes of inheritance.

Allele frequency attached by ClinVar (database versions not stated): gnomAD exomes below 0.00001.
gnomAD v4.1: 2 of 1,594,748 alleles (0.00013%); highest among the groups gnomAD compares: South Asian, 0.0011%; no homozygotes.

Submission:

Labcorp Genetics (formerly Invitae), Labcorp
Classification: Uncertain significance for Long QT syndrome. Last evaluated: 2022-12-31. Review status: criteria provided, single submitter. Criteria: Invitae Variant Classification Sherloc (09022015). Collection method: clinical testing. Allele origin: germline.
Comment: Experimental studies have shown that this missense change does not substantially affect KCNQ1 function (PMID: 29532034). In summary, the available evidence is currently insufficient to determine the role of this variant in disease. Therefore, it has been classified as a Variant of Uncertain Significance. Advanced modeling of protein sequence and biophysical properties (such as structural, functional, and spatial information, amino acid conservation, physicochemical variation, residue mobility, and thermodynamic stability) performed at Invitae indicates that this missense variant is not expected to disrupt KCNQ1 protein function. This variant has not been reported in the literature in individuals affected with KCNQ1-related conditions. This variant is not present in population databases (gnomAD no frequency). This sequence change replaces alanine, which is neutral and non-polar, with threonine, which is neutral and polar, at codon 128 of the KCNQ1 protein (p.Ala128Thr).

Literature cited by the submitters: PubMed 29532034.

NM_000218.3(KCNQ1):c.382G>A (p.Ala128Thr)

Gene: KCNQ1 (potassium voltage-gated channel subfamily Q member 1; plus strand). Cytogenetic location: 11p15.5.
Variant type: single nucleotide variant.
Coding change: c.382G>A on transcript NM_000218.3 (MANE Select); coding-DNA position 382, G replaced by A.
Protein change: p.Ala128Thr; replaces alanine 128 with threonine.
Molecular consequence: missense variant.
Genome position (GRCh38, 1-based): chr11:2,445,480, G>A. VCF-style: chr11-2445480-G-A. GRCh37 (hg19) VCF-style: chr11-2466710-G-A.
Other names: c.382G>A, p.Ala128Thr (NM_001406836.1, NM_001406838.1); c.20G>A, p.Arg7His (NM_001406837.1); short protein forms A128T, R7H.
Identifiers: ClinVar variation 2910899 (VCV002910899.3), dbSNP rs2133560384, ClinGen allele CA379117854.